The following is an entry in ClinVar:

NM_001282531.3(ADNP):c.2828A>C (p.Glu943Ala)

Gene: ADNP (activity dependent neuroprotector homeobox; minus strand). Cytogenetic location: 20q13.13.
Variant type: single nucleotide variant.
Coding change: c.2828A>C on transcript NM_001282531.3 (MANE Select); coding-DNA position 2828, A replaced by C.
Protein change: p.Glu943Ala; replaces glutamic acid 943 with alanine.
Molecular consequence: missense variant.
Genome position (GRCh38, 1-based): chr20:50,891,886, T>G on the plus strand (A>C on the coding strand, the complement: ADNP is on the minus strand). VCF-style: chr20-50891886-T-G. GRCh37 (hg19) VCF-style: chr20-49508423-T-G.
Other names: c.2828A>C, p.Glu943Ala (NM_001282532.2, NM_001347511.2, NM_015339.5 and 1 more transcripts); c.3044A>C, p.Glu1015Ala (NM_001439000.1); c.2144A>C, p.Glu715Ala (NM_001439001.1); short protein forms E1015A, E715A, E943A.
Identifiers: ClinVar variation 4082690 (VCV004082690.1).

ClinVar aggregate classification (germline): Uncertain significance (1 of 4 stars; one submission).

Submission:

GeneDx
Classification: Uncertain significance. Last evaluated: 2025-03-05. Review status: criteria provided, single submitter. Criteria: GeneDx Variant Classification Process June 2021. Collection method: clinical testing. Allele origin: germline. Affected: yes.
Comment: Not observed at significant frequency in large population cohorts (gnomAD); In silico analysis indicates that this missense variant does not alter protein structure/function; Has not been previously published as pathogenic or benign to our knowledge